The following is an entry in ClinVar:

ClinVar aggregate classification (germline): Uncertain significance (1 of 4 stars; one submission).

Conditions:
POLD1-related polyposis and colorectal cancer syndrome (CRCS10). Also called: Colorectal cancer 10; COLORECTAL CANCER, SUSCEPTIBILITY TO, ON CHROMOSOME 19q; Colorectal cancer, susceptibility to, 10. Identifiers: Orphanet 220460, MedGen C2675481, MONDO:0012953, OMIM 612591.

Submission:

Labcorp Genetics (formerly Invitae), Labcorp
Classification: Uncertain significance for POLD1-related polyposis and colorectal cancer syndrome. Last evaluated: 2019-02-08. Review status: criteria provided, single submitter. Criteria: Invitae Variant Classification Sherloc (09022015). Collection method: clinical testing. Allele origin: germline.
Comment: In summary, the available evidence is currently insufficient to determine the role of this variant in disease. Therefore, it has been classified as a Variant of Uncertain Significance. Nucleotide substitutions within the consensus splice site are a relatively common cause of aberrant splicing (PMID: 17576681, 9536098). Algorithms developed to predict the effect of sequence changes on RNA splicing suggest that this variant may create or strengthen a splice site, but this prediction has not been confirmed by published transcriptional studies. This variant has not been reported in the literature in individuals with POLD1-related conditions. The frequency data for this variant in the population databases is considered unreliable, as metrics indicate insufficient coverage at this position in the ExAC database. This sequence change falls in intron 23 of the POLD1 gene. It does not directly change the encoded amino acid sequence of the POLD1 protein, but it affects a nucleotide within the consensus splice site of the intron.

Literature cited by the submitters: PubMed 17576681; PubMed 9536098.

NM_002691.4(POLD1):c.2953+4C>A

Gene: POLD1 (DNA polymerase delta 1, catalytic subunit; plus strand). Cytogenetic location: 19q13.33.
Variant type: single nucleotide variant.
Coding change: c.2953+4C>A on transcript NM_002691.4 (MANE Select); 4 bases into the intron after coding-DNA position 2953, C replaced by A.
Molecular consequence: intron variant.
Genome position (GRCh38, 1-based): chr19:50,416,532, C>A. VCF-style: chr19-50416532-C-A. GRCh37 (hg19) VCF-style: chr19-50919789-C-A.
Other names: c.2953+4C>A (NM_001256849.1); c.3031+4C>A (NM_001308632.1).
Identifiers: ClinVar variation 855933 (VCV000855933.9), dbSNP rs1057521166, ClinGen allele CA916082472.